The following is an entry in ClinVar:

NM_000138.5(FBN1):c.510C>T (p.Tyr170=)

Gene: FBN1 (fibrillin 1; minus strand). Cytogenetic location: 15q21.1.
Variant type: single nucleotide variant.
Coding change: c.510C>T on transcript NM_000138.5 (MANE Select); coding-DNA position 510, C replaced by T.
Protein change: p.Tyr170=; no amino-acid change (tyrosine 170 retained).
Molecular consequence: synonymous variant.
Genome position (GRCh38, 1-based): chr15:48,596,311, G>A on the plus strand (C>T on the coding strand, the complement: FBN1 is on the minus strand). VCF-style: chr15-48596311-G-A. GRCh37 (hg19) VCF-style: chr15-48888508-G-A.
Other names: p.Y170Y:TAC>TAT; p.Tyr170=.
Identifiers: ClinVar variation 36086 (VCV000036086.112), dbSNP rs111671429, ClinGen allele CA015665.

ClinVar aggregate classification (germline): Conflicting classifications of pathogenicity. Review status: criteria provided, conflicting classifications (1 of 4 stars). 25 submissions from 19 submitters: Uncertain significance (1); Benign (4); Likely benign (17). 3 of the submissions do not count toward it. Last evaluated 2026-09-21.

Conditions:
Geleophysic dysplasia. Identifiers: Orphanet 2623, MedGen C3489726, MONDO:0000127.
Weill-Marchesani syndrome. Also called: WM Syndrome; Mesodermal dysmorphodystrophy congenital. Identifiers: Orphanet 3449, MedGen C0265313, MONDO:0018096.
Familial thoracic aortic aneurysm and aortic dissection (TAAD). Also called: Thoracic aortic aneurysms and dissections. Identifiers: Orphanet 91387, MedGen C4707243, MONDO:0019625.
Marfan syndrome (MFS). Also called: Marfan syndrome, classic; FBN1-Related Marfan Syndrome; Marfan syndrome type 1; Marfan's syndrome; MARFAN SYNDROME, TYPE I. Identifiers: Orphanet 284963, Orphanet 558, MedGen C0024796, MONDO:0007947, OMIM 154700.
Acromicric dysplasia (ACMICD). Also called: Acromicric skeletal dysplasia. Identifiers: Orphanet 969, MedGen C0265287, MONDO:0007055, OMIM 102370.
Ectopia lentis 1, isolated, autosomal dominant (ECTOL1). Identifiers: Orphanet 1885, MedGen C3541518, MONDO:0007514, OMIM 129600.
Stiff skin syndrome (SSKS). Identifiers: Orphanet 2833, MedGen C1861456, MONDO:0008492, OMIM 184900.

Allele frequency attached by ClinVar (database versions not stated): gnomAD exomes 0.00059 and 0.00094; gnomAD 0.00076 and 0.00078; 1000 Genomes Project 30x 0.00031; 1000 Genomes Project 0.00040; TOPMed 0.00064; ESP Exome Variant Server 0.00085; ExAC 0.00062.
gnomAD v4.1: 1,475 of 1,613,972 alleles (0.091%); highest among the groups gnomAD compares: Non-Finnish European, 0.11%; 1 homozygote.

Submissions (25):

Molecular Diagnostic Laboratory for Inherited Cardiovascular Disease, Montreal Heart Institute
Classification: Likely benign. Last evaluated: 2026-09-21. Review status: criteria provided, single submitter. Criteria: ACMG Guidelines, 2015. Collection method: clinical testing. Allele origin: germline. Affected: no.
Comment: BS1;BP7

CeGaT Center for Human Genetics Tuebingen
Classification: Likely benign. Last evaluated: 2026-06-01. Review status: criteria provided, single submitter. Criteria: CeGaT Center For Human Genetics Tuebingen Variant Classification Criteria Version 2. Collection method: clinical testing. Allele origin: germline. Affected: yes. Observed: 19 variant alleles.
Comment: FBN1: BP4, BP7, BS1

Labcorp Genetics (formerly Invitae), Labcorp
Classification: Likely benign for Marfan syndrome; Familial thoracic aortic aneurysm and aortic dissection. Last evaluated: 2026-01-28. Review status: criteria provided, single submitter. Criteria: Invitae Variant Classification Sherloc (09022015). Collection method: clinical testing. Allele origin: germline.

Laboratory of Genetics, Children's Clinical University Hospital Latvia
Classification: Likely benign. Last evaluated: 2025-02-16. Review status: criteria provided, single submitter. Criteria: ACMG Guidelines, 2015. Collection method: clinical testing. Allele origin: germline. Affected: yes.

Mayo Clinic Laboratories, Mayo Clinic
Classification: Benign. Last evaluated: 2024-12-27. Review status: criteria provided, single submitter. Criteria: ACMG Guidelines, 2015. Collection method: clinical testing. Allele origin: germline. Observed: 2 variant alleles.
Comment: BA1, BP4, BP7

Blueprint Genetics
Classification: Likely benign. Last evaluated: 2024-10-15. Review status: criteria provided, single submitter. Criteria: ACMG Guidelines, 2015. Collection method: clinical testing. Allele origin: germline.

ARUP Laboratories, Molecular Genetics and Genomics, ARUP Laboratories
Classification: Benign. Last evaluated: 2024-03-29. Review status: criteria provided, single submitter. Criteria: ARUP Molecular Germline Variant Investigation Process 2024. Collection method: clinical testing. Allele origin: germline.

All of Us Research Program, National Institutes of Health
Classification: Likely benign for Marfan syndrome. Last evaluated: 2024-02-05. Review status: criteria provided, single submitter. Criteria: ACMG Guidelines, 2015. Collection method: clinical testing. Allele origin: germline. Inheritance: Autosomal dominant inheritance. Observed: 186 variant alleles, 186 heterozygotes.
Comment: This study involves interpretation of variants in research participants for the purpose of population health screening. Participant phenotype was not available at the time of variant classification. Additional details can be found in publication PMID: 35346344, PMCID: PMC8962531

Color Diagnostics, LLC DBA Color Health
Classification: Likely benign for Familial thoracic aortic aneurysm and aortic dissection. Last evaluated: 2018-09-10. Review status: criteria provided, single submitter. Criteria: ACMG Guidelines, 2015. Collection method: clinical testing. Allele origin: germline.

CHEO Genetics Diagnostic Laboratory, Children's Hospital of Eastern Ontario
Classification: Benign for Familial thoracic aortic aneurysm and aortic dissection. Last evaluated: 2018-04-16. Review status: criteria provided, single submitter. Criteria: ACMG Guidelines, 2015. Collection method: clinical testing. Allele origin: germline.

Laboratory for Molecular Medicine, Mass General Brigham Personalized Medicine
Classification: Likely benign. Last evaluated: 2017-05-18. Review status: criteria provided, single submitter. Criteria: LMM Criteria. Collection method: clinical testing. Allele origin: germline. Observed: 1 variant allele.
Comment: p.Tyr170Tyr in exon 5 of FBN1: This variant is not expected to have clinical sig nificance because it does not alter an amino acid residue and is not located wit hin the splice consensus sequence. It has been identified in 0.1% (143/126624) o f European chromosomes, including 1 homozygote, by the Genome Aggregation Databa se (gnomAD; dbSNP rs111671429).

Illumina Laboratory Services, Illumina
Classification: Likely benign for Marfan syndrome. Last evaluated: 2017-04-27. Review status: criteria provided, single submitter. Criteria: ICSL Variant Classification Criteria 13 December 2019. Collection method: clinical testing. Allele origin: germline.
Comment: This variant was observed as part of a predisposition screen in an ostensibly healthy population. A literature search was performed for the gene, cDNA change, and amino acid change (where applicable). No publications were found based on this search. Allele frequency data from public databases allowed determination this variant is unlikely to cause disease. Therefore, this variant is classified as likely benign.

Illumina Laboratory Services, Illumina
Classification: Likely benign for Acromicric dysplasia. Last evaluated: 2017-04-27. Review status: criteria provided, single submitter. Criteria: ICSL Variant Classification Criteria 13 December 2019. Collection method: clinical testing. Allele origin: germline.
Comment: the same text as in the submission from Illumina Laboratory Services, Illumina above.

Illumina Laboratory Services, Illumina
Classification: Likely benign for Weill-Marchesani syndrome. Last evaluated: 2017-04-27. Review status: criteria provided, single submitter. Criteria: ICSL Variant Classification Criteria 13 December 2019. Collection method: clinical testing. Allele origin: germline.
Comment: the same text as in the submission from Illumina Laboratory Services, Illumina above.

Illumina Laboratory Services, Illumina
Classification: Likely benign for Stiff skin syndrome. Last evaluated: 2017-04-27. Review status: criteria provided, single submitter. Criteria: ICSL Variant Classification Criteria 13 December 2019. Collection method: clinical testing. Allele origin: germline.
Comment: the same text as in the submission from Illumina Laboratory Services, Illumina above.

Illumina Laboratory Services, Illumina
Classification: Likely benign for Geleophysic dysplasia. Last evaluated: 2017-04-27. Review status: criteria provided, single submitter. Criteria: ICSL Variant Classification Criteria 13 December 2019. Collection method: clinical testing. Allele origin: germline.
Comment: the same text as in the submission from Illumina Laboratory Services, Illumina above.

Illumina Laboratory Services, Illumina
Classification: Likely benign for Familial thoracic aortic aneurysm and aortic dissection. Last evaluated: 2017-04-27. Review status: criteria provided, single submitter. Criteria: ICSL Variant Classification Criteria 13 December 2019. Collection method: clinical testing. Allele origin: germline.
Comment: the same text as in the submission from Illumina Laboratory Services, Illumina above.

Illumina Laboratory Services, Illumina
Classification: Likely benign for Ectopia lentis 1, isolated, autosomal dominant. Last evaluated: 2017-04-27. Review status: criteria provided, single submitter. Criteria: ICSL Variant Classification Criteria 13 December 2019. Collection method: clinical testing. Allele origin: germline.
Comment: the same text as in the submission from Illumina Laboratory Services, Illumina above.

Eurofins Ntd Llc (ga)
Classification: Uncertain significance. Last evaluated: 2016-07-07. Review status: criteria provided, single submitter. Criteria: EGL Classification Definitions 2015. Collection method: clinical testing. Allele origin: germline. Observed: 1 variant allele, 1 heterozygote.

Ambry Genetics
Classification: Likely benign for Familial thoracic aortic aneurysm and aortic dissection. Last evaluated: 2016-03-21. Review status: criteria provided, single submitter. Criteria: Ambry Variant Classification Scheme 2023. Collection method: clinical testing. Allele origin: germline.

GeneDx
Classification: Benign. Last evaluated: 2014-01-12. Review status: criteria provided, single submitter. Criteria: GeneDx Variant Classification (06012015). Collection method: clinical testing. Allele origin: germline. Affected: yes.
Comment: This variant is considered likely benign or benign based on one or more of the following criteria: it is a conservative change, it occurs at a poorly conserved position in the protein, it is predicted to be benign by multiple in silico algorithms, and/or has population frequency not consistent with disease.

PreventionGenetics, part of Exact Sciences
Classification: Likely benign. Review status: criteria provided, single submitter. Criteria: ACMG Guidelines, 2015. Collection method: clinical testing. Allele origin: germline.

Women's Health and Genetics/Laboratory Corporation of America, LabCorp
Classification: Benign for Marfan's syndrome. Last evaluated: 2012-11-19. Review status: no assertion criteria provided. Collection method: clinical testing. Allele origin: germline. Not counted in ClinVar's aggregate classification.

Clinical Genetics DNA and cytogenetics Diagnostics Lab, Erasmus MC, Erasmus Medical Center
Classification: Likely benign. Review status: no assertion criteria provided. Collection method: clinical testing. Allele origin: germline. Affected: yes. Study: VKGL Data-share Consensus. Not counted in ClinVar's aggregate classification.

Genome Diagnostics Laboratory, Amsterdam University Medical Center
Classification: Benign. Review status: no assertion criteria provided. Collection method: clinical testing. Allele origin: germline. Affected: yes. Study: VKGL Data-share Consensus. Not counted in ClinVar's aggregate classification.